The following is an entry in ClinVar:

ClinVar aggregate classification (germline): Uncertain significance (1 of 4 stars; one submission).

gnomAD v4.1: 1 of 1,614,070 alleles (0.000062%); highest among the groups gnomAD compares: Non-Finnish European, 0.000085%; no homozygotes.

Submission:

Women's Health and Genetics/Laboratory Corporation of America, LabCorp
Classification: Uncertain significance. Last evaluated: 2026-03-13. Review status: criteria provided, single submitter. Criteria: LabCorp Variant Classification Summary - May 2015. Collection method: clinical testing. Allele origin: germline.
Comment: Variant summary: F7 c.713G>C (p.Cys238Ser) results in a non-conservative amino acid change in the encoded protein sequence. Algorithms developed to predict the effect of missense changes on protein structure and function all suggest that this variant is likely to be disruptive. The variant allele was found at a frequency of 8e-06 in 251274 control chromosomes (gnomAD). The available data on variant occurrences in the general population are insufficient to allow any conclusion about variant significance. c.713G>C has been observed in one individual affected with Congenital factor VII deficiency (Pshenichnikova_2023). These report(s) do not provide unequivocal conclusions about association of the variant with Congenital factor VII deficiency. To our knowledge, no experimental evidence demonstrating an impact on protein function has been reported. The following publication have been ascertained in the context of this evaluation (PMID: 37761907). No submitters have cited clinical-significance assessments for this variant to ClinVar. Based on the evidence outlined above, the variant was classified as uncertain significance.

Literature cited by the submitters: PubMed 37761907.

NM_019616.4(F7):c.647G>C (p.Cys216Ser)

Gene: F7 (coagulation factor VII; plus strand). Cytogenetic location: 13q34.
Variant type: single nucleotide variant.
Coding change: c.647G>C on transcript NM_019616.4 (MANE Select); coding-DNA position 647, G replaced by C.
Protein change: p.Cys216Ser; replaces cysteine 216 with serine.
Molecular consequence: missense variant. On other transcripts: non-coding transcript variant (1).
Genome position (GRCh38, 1-based): chr13:113,117,504, G>C. VCF-style: chr13-113117504-G-C. GRCh37 (hg19) VCF-style: chr13-113771818-G-C.
Other names: c.713G>C, p.Cys238Ser (NM_000131.5); c.461G>C, p.Cys154Ser (NM_001267554.2); short protein forms C154S, C216S, C238S.
Identifiers: ClinVar variation 4847261 (VCV004847261.1).
Genomic context (GRCh38, chr13:113,117,504, plus strand): 5'-ACTTCCACACCTCCTGTCCCCCCGCCCAGGTCCTGTTGTTGGTGAATGGAGCTCAGTTGT[G>C]TGGGGGGACCCTGATCAACACCATCTGGGTGGTCTCCGCGGCCCACTGTTTCGACAAAAT-3'
Protein context (NP_062562.1, residues 206-226): VLLLVNGAQL[Cys216Ser]GGTLINTIWV